The following is an entry in ClinVar:

NM_000288.4(PEX7):c.339+10A>C

Gene: PEX7 (peroxisomal biogenesis factor 7; plus strand). Cytogenetic location: 6q23.3.
Variant type: single nucleotide variant.
Coding change: c.339+10A>C on transcript NM_000288.4 (MANE Select); 10 bases into the intron after coding-DNA position 339, A replaced by C.
Molecular consequence: intron variant.
Genome position (GRCh38, 1-based): chr6:136,826,479, A>C. VCF-style: chr6-136826479-A-C. GRCh37 (hg19) VCF-style: chr6-137147617-A-C.
Identifiers: ClinVar variation 597759 (VCV000597759.18), dbSNP rs374668045, ClinGen allele CA4017557.
Genomic context (GRCh38, chr6:136,826,479, plus strand): 5'-ACTGCCAAAGCTGCAGGGCCACTGCAAGTCTATAAAGAACACGCTCAGGAGGTAGGAGGG[A>C]AATCTTTCTGGGCTGATTATTTTTCTTTCTTCGACTTTGGTTGAAATCCATTTGGGGATG-3'

ClinVar aggregate classification (germline): Conflicting classifications of pathogenicity. Review status: criteria provided, conflicting classifications (1 of 4 stars). 4 submissions from 4 submitters: Uncertain significance (1); Likely benign (3). Last evaluated 2024-12-04.

Conditions:
Peroxisome biogenesis disorder 9B. Also called: PEROXISOME BIOGENESIS DISORDER, PEX7-RELATED, ATYPICAL; PEX7-Related Refsum Disease; Refsum disease, adult, 2. Identifiers: Orphanet 773, MedGen C2749346, MONDO:0013945, OMIM 614879.
PEX7-related disorder. Also called: PEX7-related condition; PEX7-related disorders. Identifiers: MedGen CN239409.

gnomAD v4.1: 1 of 1,613,872 alleles (0.000062%); highest among the groups gnomAD compares: Admixed American, 0.0017%; no homozygotes.

Submissions (4):

PreventionGenetics, part of Exact Sciences
Classification: Likely benign for PEX7-related condition. Last evaluated: 2024-12-04. Review status: criteria provided, single submitter. Criteria: ACMG Guidelines, 2015. Collection method: clinical testing. Allele origin: germline.
Comment: This variant is classified as likely benign based on ACMG/AMP sequence variant interpretation guidelines (Richards et al. 2015 PMID: 25741868, with internal and published modifications).

Labcorp Genetics (formerly Invitae), Labcorp
Classification: Likely benign for Peroxisome biogenesis disorder 9B. Last evaluated: 2024-01-22. Review status: criteria provided, single submitter. Criteria: Invitae Variant Classification Sherloc (09022015). Collection method: clinical testing. Allele origin: germline.

Blueprint Genetics
Classification: Likely benign. Last evaluated: 2023-08-25. Review status: criteria provided, single submitter. Criteria: ACMG Guidelines, 2015. Collection method: clinical testing. Allele origin: germline.

Eurofins Ntd Llc (ga)
Classification: Uncertain significance. Last evaluated: 2018-06-28. Review status: criteria provided, single submitter. Criteria: EGL ClinVar v180209 classification definitions. Collection method: clinical testing. Allele origin: germline. Observed: 1 variant allele, 1 heterozygote.